The following is an entry in ClinVar:

NM_001077653.2(TBX20):c.926A>T (p.Tyr309Phe)

Gene: TBX20 (T-box transcription factor 20; minus strand). Cytogenetic location: 7p14.2.
Variant type: single nucleotide variant.
Coding change: c.926A>T on transcript NM_001077653.2 (MANE Select); coding-DNA position 926, A replaced by T.
Protein change: p.Tyr309Phe; replaces tyrosine 309 with phenylalanine.
Molecular consequence: missense variant.
Genome position (GRCh38, 1-based): chr7:35,204,547, T>A on the plus strand (A>T on the coding strand, the complement: TBX20 is on the minus strand). VCF-style: chr7-35204547-T-A. GRCh37 (hg19) VCF-style: chr7-35244159-T-A.
Other names: short protein forms Y309F.
Identifiers: ClinVar variation 2752454 (VCV002752454.3), dbSNP rs749485765, ClinGen allele CA367263592.
Genomic context (GRCh38, chr7:35,204,547, plus strand): 5'-TGACTCTCATCCCCCAAGACATCTTCTTCTCCTCCGTAGGTACGGATGGGTGAGCGTGCA[T>A]AGGAATGCTTTTGAATCAGGCTCTCCACACTTTCCCTAGGTTAGAGTGACATATCACAGG-3'
Protein context (NP_001071121.1, residues 299-319): SVESLIQKHS[Tyr309Phe]ARSPIRTYGG

ClinVar aggregate classification (germline): Uncertain significance (1 of 4 stars; one submission).

Submission:

Labcorp Genetics (formerly Invitae), Labcorp
Classification: Uncertain significance. Last evaluated: 2024-05-06. Review status: criteria provided, single submitter. Criteria: Invitae Variant Classification Sherloc (09022015). Collection method: clinical testing. Allele origin: germline.
Comment: This sequence change replaces tyrosine, which is neutral and polar, with phenylalanine, which is neutral and non-polar, at codon 309 of the TBX20 protein (p.Tyr309Phe). This variant is not present in population databases (gnomAD no frequency). This variant has not been reported in the literature in individuals affected with TBX20-related conditions. Advanced modeling of protein sequence and biophysical properties (such as structural, functional, and spatial information, amino acid conservation, physicochemical variation, residue mobility, and thermodynamic stability) performed at Invitae indicates that this missense variant is not expected to disrupt TBX20 protein function with a negative predictive value of 80%. In summary, the available evidence is currently insufficient to determine the role of this variant in disease. Therefore, it has been classified as a Variant of Uncertain Significance.